The following is an entry in ClinVar:

ClinVar aggregate classification (germline): Uncertain significance. Review status: criteria provided, multiple submitters, no conflicts (2 of 4 stars). 4 submissions from 4 submitters: Uncertain significance (4). Last evaluated 2025-06-03.

Conditions:
Inborn genetic diseases. Identifiers: MedGen C0950123, MeSH D030342.
Fraser syndrome 2 (FRASRS2). Identifiers: MedGen C4540036, MONDO:0054738, OMIM 617666.
Isolated cryptophthalmia. Also called: ANKYLOBLEPHARON, SIMPLE; Cryptophthalmos, unilateral or bilateral, isolated. Identifiers: Orphanet 91396, MedGen C1852453, MONDO:0007410, OMIM 123570.

Allele frequency attached by ClinVar (database versions not stated): gnomAD 0.00002; TOPMed 0.00006.
gnomAD v4.1: 26 of 1,613,938 alleles (0.0016%); highest among the groups gnomAD compares: Admixed American, 0.023%; no homozygotes.

Submissions (4):

Ambry Genetics
Classification: Uncertain significance for Inborn genetic diseases. Last evaluated: 2025-06-03. Review status: criteria provided, single submitter. Criteria: Ambry Variant Classification Scheme 2023. Collection method: clinical testing. Allele origin: germline.

Fulgent Genetics
Classification: Uncertain significance for Isolated cryptophthalmia; Fraser syndrome 2. Last evaluated: 2024-01-04. Review status: criteria provided, single submitter. Criteria: ACMG Guidelines, 2015. Collection method: clinical testing. Allele origin: germline.

GeneDx
Classification: Uncertain significance. Last evaluated: 2022-11-18. Review status: criteria provided, single submitter. Criteria: GeneDx Variant Classification Process June 2021. Collection method: clinical testing. Allele origin: germline. Affected: yes.
Comment: In silico analysis supports that this missense variant has a deleterious effect on protein structure/function; Has not been previously published as pathogenic or benign to our knowledge

Labcorp Genetics (formerly Invitae), Labcorp
Classification: Uncertain significance. Last evaluated: 2022-05-04. Review status: criteria provided, single submitter. Criteria: Invitae Variant Classification Sherloc (09022015). Collection method: clinical testing. Allele origin: germline.
Comment: This sequence change replaces tyrosine, which is neutral and polar, with cysteine, which is neutral and slightly polar, at codon 450 of the FREM2 protein (p.Tyr450Cys). This variant is present in population databases (rs757304008, gnomAD 0.04%). This variant has not been reported in the literature in individuals affected with FREM2-related conditions. Algorithms developed to predict the effect of missense changes on protein structure and function are either unavailable or do not agree on the potential impact of this missense change (SIFT: "Deleterious"; PolyPhen-2: "Possibly Damaging"; Align-GVGD: "Class C0"). Algorithms developed to predict the effect of sequence changes on RNA splicing suggest that this variant may create or strengthen a splice site. In summary, the available evidence is currently insufficient to determine the role of this variant in disease. Therefore, it has been classified as a Variant of Uncertain Significance.

NM_207361.6(FREM2):c.1349A>G (p.Tyr450Cys)

Gene: FREM2 (FRAS1 related extracellular matrix 2; plus strand). Cytogenetic location: 13q13.3.
Variant type: single nucleotide variant.
Coding change: c.1349A>G on transcript NM_207361.6 (MANE Select); coding-DNA position 1349, A replaced by G.
Protein change: p.Tyr450Cys; replaces tyrosine 450 with cysteine.
Molecular consequence: missense variant.
Genome position (GRCh38, 1-based): chr13:38,688,693, A>G. VCF-style: chr13-38688693-A-G. GRCh37 (hg19) VCF-style: chr13-39262830-A-G.
Other names: c.1349A>G (NM_207361.4); short protein forms Y450C.
Identifiers: ClinVar variation 1992222 (VCV001992222.4), dbSNP rs757304008, ClinGen allele CA6954390.